The following is an entry in ClinVar:

ClinVar aggregate classification (germline): Uncertain significance. Review status: criteria provided, multiple submitters, no conflicts (2 of 4 stars). 3 submissions from 3 submitters: Uncertain significance (3). Last evaluated 2024-10-16.

Conditions:
VPS33B-related disorder. Also called: VPS33B-related condition.
Keratoderma-ichthyosis-deafness syndrome, autosomal recessive (KDIDAR). Identifiers: MedGen C5774200, MONDO:0859278, OMIM 620009.
Cholestasis, progressive familial intrahepatic, 12 (PFIC12). Also called: CHOLESTASIS, ISOLATED LOW-GGT. Identifiers: MedGen C5774311, MONDO:0031040, OMIM 620010.
Arthrogryposis, renal dysfunction, and cholestasis 1 (ARCS1). Identifiers: Orphanet 2697, MedGen C1859722, MONDO:0008822, OMIM 208085.

Allele frequency attached by ClinVar (database versions not stated): gnomAD exomes below 0.00001; ExAC 0.00001; gnomAD 0.00004; TOPMed 0.00004; ESP Exome Variant Server 0.00008; 1000 Genomes Project 30x 0.00016.
gnomAD v4.1: 10 of 1,614,172 alleles (0.00062%); highest among the groups gnomAD compares: African/African-American, 0.011%; no homozygotes.

Submissions (3):

PreventionGenetics, part of Exact Sciences
Classification: Uncertain significance for VPS33B-related condition. Last evaluated: 2024-10-16. Review status: criteria provided, single submitter. Criteria: ACMG Guidelines, 2015. Collection method: clinical testing. Allele origin: germline.
Comment: The VPS33B c.728C>T variant is predicted to result in the amino acid substitution p.Ser243Phe. This variant was reported in the compound heterozygous state with c.403+2 T>A in an individual with arthrogryposis, renal dysfunction, and cholestasis (Cullinane et al 2009. PubMed ID: 18853461). Functional studies of this variant suggest no effect on VSP33S-SPE39 interactions, however this variant may alter the subcellular localization of Vps33b to VIPAS39/SPE-39-positive endosomes (Tornieri et al 2013. PubMed ID: 23918659). This variant is reported in 0.012% of alleles in individuals of African descent in gnomAD. At this time, the clinical significance of this variant is uncertain due to the absence of conclusive functional and genetic evidence.

Fulgent Genetics
Classification: Uncertain significance for Arthrogryposis, renal dysfunction, and cholestasis 1; Keratoderma-ichthyosis-deafness syndrome, autosomal recessive; Cholestasis, progressive familial intrahepatic, 12. Last evaluated: 2024-03-09. Review status: criteria provided, single submitter. Criteria: ACMG Guidelines, 2015. Collection method: clinical testing. Allele origin: germline.

Women's Health and Genetics/Laboratory Corporation of America, LabCorp
Classification: Uncertain significance. Last evaluated: 2023-12-18. Review status: criteria provided, single submitter. Criteria: LabCorp Variant Classification Summary - May 2015. Collection method: clinical testing. Allele origin: germline.
Comment: Variant summary: VPS33B c.728C>T (p.Ser243Phe) results in a non-conservative amino acid change in the encoded protein sequence. Five of five in-silico tools predict a damaging effect of the variant on protein function. The variant allele was found at a frequency of 8e-06 in 251456 control chromosomes (gnomAD). The available data on variant occurrences in the general population are insufficient to allow any conclusion about variant significance. c.728C>T has been reported in the literature in an individual affected with Arthrogryposis, Renal dysfunction and Cholestasis who was presumed compound heterozygous with a pathogenic variant (Cullinane_2009). These data do not allow any conclusion about variant significance. At least one publication reports experimental evidence evaluating an impact on protein function, finding that the variant has no effect on VSP33S-SPE39 interactions (Tornieri_2013). The following publications have been ascertained in the context of this evaluation (PMID: 18853461, 23918659). No submitters have cited clinical-significance assessments for this variant to ClinVar after 2014. Based on the evidence outlined above, the variant was classified as uncertain significance.

Literature cited by the submitters: PubMed 18853461 (cited by Women's Health and Genetics/Laboratory Corporation of America, LabCorp); PubMed 23918659 (cited by Women's Health and Genetics/Laboratory Corporation of America, LabCorp).

NM_018668.5(VPS33B):c.728C>T (p.Ser243Phe)

Gene: VPS33B (VPS33B late endosome and lysosome associated; minus strand). Cytogenetic location: 15q26.1.
Variant type: single nucleotide variant.
Coding change: c.728C>T on transcript NM_018668.5 (MANE Select); coding-DNA position 728, C replaced by T.
Protein change: p.Ser243Phe; replaces serine 243 with phenylalanine.
Molecular consequence: missense variant.
Genome position (GRCh38, 1-based): chr15:91,006,702, G>A on the plus strand (C>T on the coding strand, the complement: VPS33B is on the minus strand). VCF-style: chr15-91006702-G-A. GRCh37 (hg19) VCF-style: chr15-91549932-G-A.
Other names: c.647C>T, p.Ser216Phe (NM_001289148.1); c.455C>T, p.Ser152Phe (NM_001289149.1); short protein forms S152F, S216F, S243F.
Identifiers: ClinVar variation 2691319 (VCV002691319.3), dbSNP rs139829189, ClinGen allele CA7744932.